The following is an entry in ClinVar:

NM_001605.3(AARS1):c.817-7T>C

Gene: AARS1 (alanyl-tRNA synthetase 1; minus strand). Cytogenetic location: 16q22.1.
Variant type: single nucleotide variant.
Coding change: c.817-7T>C on transcript NM_001605.3 (MANE Select); 7 bases into the intron before coding-DNA position 817, T replaced by C.
Molecular consequence: intron variant.
Genome position (GRCh38, 1-based): chr16:70,269,770, A>G on the plus strand (T>C on the coding strand, the complement: AARS1 is on the minus strand). VCF-style: chr16-70269770-A-G. GRCh37 (hg19) VCF-style: chr16-70303673-A-G.
Identifiers: ClinVar variation 391691 (VCV000391691.9), dbSNP rs770186013, ClinGen allele CA8141023.

ClinVar aggregate classification (germline): Likely benign. Review status: criteria provided, multiple submitters, no conflicts (2 of 4 stars). 2 submissions from 2 submitters: Likely benign (2). Last evaluated 2025-11-03.

Conditions:
Charcot-Marie-Tooth disease type 2. Also called: Charcot-Marie-Tooth type 2. Identifiers: Orphanet 64746, MedGen C0270914, MONDO:0018993.

Allele frequency attached by ClinVar (database versions not stated): ExAC 0.00002; gnomAD 0.00002; TOPMed 0.00002; gnomAD exomes 0.00001.
gnomAD v4.1: 28 of 1,613,968 alleles (0.0017%); highest among the groups gnomAD compares: East Asian, 0.0067%; no homozygotes.

Submissions (2):

Labcorp Genetics (formerly Invitae), Labcorp
Classification: Likely benign for Charcot-Marie-Tooth disease type 2. Last evaluated: 2025-11-03. Review status: criteria provided, single submitter. Criteria: Invitae Variant Classification Sherloc (09022015). Collection method: clinical testing. Allele origin: germline.

GeneDx
Classification: Likely benign. Last evaluated: 2016-12-15. Review status: criteria provided, single submitter. Criteria: GeneDx Variant Classification (06012015). Collection method: clinical testing. Allele origin: germline. Affected: yes.
Comment: This variant is considered likely benign or benign based on one or more of the following criteria: it is a conservative change, it occurs at a poorly conserved position in the protein, it is predicted to be benign by multiple in silico algorithms, and/or has population frequency not consistent with disease.